The following is an entry in ClinVar:

ClinVar aggregate classification (germline): Likely benign. Review status: criteria provided, multiple submitters, no conflicts (2 of 4 stars). 2 submissions from 2 submitters: Likely benign (2). Last evaluated 2024-10-28.

Conditions:
Catecholaminergic polymorphic ventricular tachycardia (CVPT). Also called: Catecholamine-induced polymorphic ventricular tachycardia. Identifiers: Orphanet 3286, MedGen C5574922, MONDO:0017990.
Catecholaminergic polymorphic ventricular tachycardia 1. Also called: VENTRICULAR TACHYCARDIA, CATECHOLAMINERGIC POLYMORPHIC, 1, WITH OR WITHOUT ATRIAL DYSFUNCTION AND/OR DILATED CARDIOMYOPATHY; VENTRICULAR TACHYCARDIA, STRESS-INDUCED POLYMORPHIC 1; RYR2-Related Catecholaminergic Polymorphic Ventricular Tachycardia. Identifiers: Orphanet 3286, MedGen C1631597, MONDO:0011484, OMIM 604772.

Submissions (2):

Labcorp Genetics (formerly Invitae), Labcorp
Classification: Likely benign for Catecholaminergic polymorphic ventricular tachycardia 1. Last evaluated: 2024-10-28. Review status: criteria provided, single submitter. Criteria: Invitae Variant Classification Sherloc (09022015). Collection method: clinical testing. Allele origin: germline.

All of Us Research Program, National Institutes of Health
Classification: Likely benign for Catecholaminergic polymorphic ventricular tachycardia. Last evaluated: 2024-04-16. Review status: criteria provided, single submitter. Criteria: ACMG Guidelines, 2015. Collection method: clinical testing. Allele origin: germline. Inheritance: Autosomal dominant inheritance. Observed: 1 variant allele, 1 heterozygote.
Comment: This study involves interpretation of variants in research participants for the purpose of population health screening. Participant phenotype was not available at the time of variant classification. Additional details can be found in publication PMID: 35346344, PMCID: PMC8962531

NM_001035.3(RYR2):c.13530A>G (p.Ala4510=)

Gene: RYR2 (ryanodine receptor 2; plus strand). Cytogenetic location: 1q43.
Variant type: single nucleotide variant.
Coding change: c.13530A>G on transcript NM_001035.3 (MANE Select); coding-DNA position 13530, A replaced by G.
Protein change: p.Ala4510=; no amino-acid change (alanine 4510 retained).
Molecular consequence: synonymous variant.
Genome position (GRCh38, 1-based): chr1:237,791,482, A>G. VCF-style: chr1-237791482-A-G. GRCh37 (hg19) VCF-style: chr1-237954782-A-G.
Identifiers: ClinVar variation 1654152 (VCV001654152.10), dbSNP rs755775674, ClinGen allele CA423827046.